The following is an entry in ClinVar:

NM_020732.3:c.4703C>G

Gene: ARID1B (AT-rich interaction domain 1B; plus strand).
Variant type: single nucleotide variant.
Other names: c.4703C>G (NM_020732.3).
Identifiers: ClinVar variation 4282337 (VCV004282337.1).

ClinVar aggregate classification (germline): Uncertain significance (1 of 4 stars; one submission).

Submission:

GeneDx
Classification: Uncertain significance. Last evaluated: 2025-04-19. Review status: criteria provided, single submitter. Criteria: GeneDx Variant Classification Process June 2021. Collection method: clinical testing. Allele origin: germline. Affected: yes.
Comment: Previously reported in an individual from a large cohort of probands with a neurodevelopmental phenotype; however additional clinical information was not provided (PMID: 37500730); Not observed at significant frequency in large population cohorts (gnomAD); In silico analysis supports that this missense variant has a deleterious effect on protein structure/function; This variant is associated with the following publications: (PMID: 37500730)